The following is an entry in ClinVar:

ClinVar aggregate classification (germline): Conflicting classifications of pathogenicity. Review status: criteria provided, conflicting classifications (1 of 4 stars). 4 submissions from 4 submitters: Uncertain significance (3); Likely benign (1). Last evaluated 2025-11-17.

Conditions:
Hereditary nonpolyposis colorectal neoplasms. Identifiers: MedGen C0009405, MeSH D003123.
Lynch syndrome. Identifiers: Orphanet 144, MedGen C4552100, MONDO:0005835. Disease mechanism: loss of function.
Hereditary cancer-predisposing syndrome. Also called: Neoplastic Syndromes, Hereditary; Hereditary neoplastic syndrome; Hereditary Cancer Syndrome; Tumor predisposition. Identifiers: Orphanet 140162, MedGen C0027672, MeSH D009386, MONDO:0015356.

Allele frequency attached by ClinVar (database versions not stated): gnomAD exomes below 0.00001.
gnomAD v4.1: 1 of 1,614,164 alleles (0.000062%); highest among the groups gnomAD compares: Non-Finnish European, 0.000085%; no homozygotes.

Submissions (4):

Labcorp Genetics (formerly Invitae), Labcorp
Classification: Uncertain significance for Hereditary nonpolyposis colorectal neoplasms. Last evaluated: 2025-11-17. Review status: criteria provided, single submitter. Criteria: Invitae Variant Classification Sherloc (09022015). Collection method: clinical testing. Allele origin: germline.
Comment: This sequence change replaces lysine, which is basic and polar, with glutamic acid, which is acidic and polar, at codon 311 of the MSH6 protein (p.Lys311Glu). This variant is not present in population databases (gnomAD no frequency). This variant has not been reported in the literature in individuals affected with MSH6-related conditions. ClinVar contains an entry for this variant (Variation ID: 449895). Invitae Evidence Modeling of protein sequence and biophysical properties (such as structural, functional, and spatial information, amino acid conservation, physicochemical variation, residue mobility, and thermodynamic stability) indicates that this missense variant is not expected to disrupt MSH6 protein function with a negative predictive value of 95%. In summary, the available evidence is currently insufficient to determine the role of this variant in disease. Therefore, it has been classified as a Variant of Uncertain Significance.

All of Us Research Program, National Institutes of Health
Classification: Likely benign for Lynch syndrome. Last evaluated: 2024-05-14. Review status: criteria provided, single submitter. Criteria: ACMG Guidelines, 2015. Collection method: clinical testing. Allele origin: germline. Inheritance: Autosomal dominant inheritance. Observed: 1 variant allele, 1 heterozygote.
Comment: This study involves interpretation of variants in research participants for the purpose of population health screening. Participant phenotype was not available at the time of variant classification. Additional details can be found in publication PMID: 35346344, PMCID: PMC8962531

Ambry Genetics
Classification: Uncertain significance for Hereditary cancer-predisposing syndrome. Last evaluated: 2024-04-16. Review status: criteria provided, single submitter. Criteria: Ambry Variant Classification Scheme 2023. Collection method: clinical testing. Allele origin: germline.
Comment: The p.K311E variant (also known as c.931A>G), located in coding exon 4 of the MSH6 gene, results from an A to G substitution at nucleotide position 931. The lysine at codon 311 is replaced by glutamic acid, an amino acid with similar properties. This amino acid position is well conserved in available vertebrate species. In addition, the in silico prediction for this alteration is inconclusive. Based on the available evidence, the clinical significance of this variant remains unclear.

GeneDx
Classification: Uncertain significance. Last evaluated: 2017-03-24. Review status: criteria provided, single submitter. Criteria: GeneDx Variant Classification (06012015). Collection method: clinical testing. Allele origin: germline. Affected: yes.
Comment: This variant is denoted MSH6 c.931A>G at the cDNA level, p.Lys311Glu (K311E) at the protein level, and results in the change of a Lysine to a Glutamic Acid (AAA>GAA). This variant has not, to our knowledge, been published in the literature as pathogenic or benign. MSH6 Lys311Glu was not observed in large population cohorts (NHLBI Exome Sequencing Project, The 1000 Genomes Consortium 2015, Lek 2016). Since Lysine and Glutamic Acid differ in polarity, charge, size or other properties, this is considered a non-conservative amino acid substitution. MSH6 Lys311Glu occurs at a position that is conserved in mammals and is located in the nuclear localization signal domain (Gassman 2011). In silico analyses are inconsistent regarding the effect this variant may have on protein structure and function. Based on currently available evidence, it is unclear whether MSH6 Lys311Glu is a pathogenic or benign variant. We consider it to be a variant of uncertain significance.

NM_000179.3(MSH6):c.931A>G (p.Lys311Glu)

Gene: MSH6 (mutS homolog 6; plus strand). Cytogenetic location: 2p16.3.
Variant type: single nucleotide variant.
Coding change: c.931A>G on transcript NM_000179.3 (MANE Select); coding-DNA position 931, A replaced by G.
Protein change: p.Lys311Glu; replaces lysine 311 with glutamic acid.
Molecular consequence: missense variant.
Genome position (GRCh38, 1-based): chr2:47,798,914, A>G. VCF-style: chr2-47798914-A-G. GRCh37 (hg19) VCF-style: chr2-48026053-A-G.
Other names: c.541A>G, p.Lys181Glu (NM_001281492.2); c.25A>G, p.Lys9Glu (NM_001281493.2, NM_001281494.2); short protein forms K311E, K9E, K181E.
Identifiers: ClinVar variation 449895 (VCV000449895.16), dbSNP rs1323987464, ClinGen allele CA346740754.